The following is an entry in ClinVar:

NM_006509.4(RELB):c.1687C>A (p.Arg563Ser)

Gene: RELB (RELB proto-oncogene, NF-kB subunit; plus strand). Cytogenetic location: 19q13.32.
Variant type: single nucleotide variant.
Coding change: c.1687C>A on transcript NM_006509.4 (MANE Select); coding-DNA position 1687, C replaced by A.
Protein change: p.Arg563Ser; replaces arginine 563 with serine.
Molecular consequence: missense variant.
Genome position (GRCh38, 1-based): chr19:45,037,737, C>A. VCF-style: chr19-45037737-C-A. GRCh37 (hg19) VCF-style: chr19-45540995-C-A.
Other names: c.1678C>A, p.Arg560Ser (NM_001411087.1); short protein forms R560S, R563S.
Identifiers: ClinVar variation 3667014 (VCV003667014.2).

ClinVar aggregate classification (germline): Uncertain significance (1 of 4 stars; one submission).

Submission:

Labcorp Genetics (formerly Invitae), Labcorp
Classification: Uncertain significance. Last evaluated: 2025-01-23. Review status: criteria provided, single submitter. Criteria: Invitae Variant Classification Sherloc (09022015). Collection method: clinical testing. Allele origin: germline.
Comment: This sequence change replaces arginine, which is basic and polar, with serine, which is neutral and polar, at codon 563 of the RELB protein (p.Arg563Ser). This variant is not present in population databases (gnomAD no frequency). This variant has not been reported in the literature in individuals affected with RELB-related conditions. An algorithm developed to predict the effect of missense changes on protein structure and function (PolyPhen-2) suggests that this variant is likely to be disruptive. In summary, the available evidence is currently insufficient to determine the role of this variant in disease. Therefore, it has been classified as a Variant of Uncertain Significance.